The following is an entry in ClinVar:

ClinVar aggregate classification (germline): Uncertain significance (1 of 4 stars; one submission).

gnomAD v4.1: 1 of 1,605,966 alleles (0.000062%); highest among the groups gnomAD compares: Non-Finnish European, 0.000085%; no homozygotes.

Submission:

Labcorp Genetics (formerly Invitae), Labcorp
Classification: Uncertain significance. Last evaluated: 2025-03-12. Review status: criteria provided, single submitter. Criteria: Invitae Variant Classification Sherloc (09022015). Collection method: clinical testing. Allele origin: germline.
Comment: This sequence change replaces leucine, which is neutral and non-polar, with isoleucine, which is neutral and non-polar, at codon 647 of the PROM1 protein (p.Leu647Ile). This variant is present in population databases (no rsID available, gnomAD 0.0009%). This variant has not been reported in the literature in individuals affected with PROM1-related conditions. Invitae Evidence Modeling of protein sequence and biophysical properties (such as structural, functional, and spatial information, amino acid conservation, physicochemical variation, residue mobility, and thermodynamic stability) indicates that this missense variant is not expected to disrupt PROM1 protein function with a negative predictive value of 80%. In summary, the available evidence is currently insufficient to determine the role of this variant in disease. Therefore, it has been classified as a Variant of Uncertain Significance.

NM_006017.3(PROM1):c.1939C>A (p.Leu647Ile)

Gene: PROM1 (prominin 1; minus strand). Cytogenetic location: 4p15.32.
Variant type: single nucleotide variant.
Coding change: c.1939C>A on transcript NM_006017.3 (MANE Select); coding-DNA position 1939, C replaced by A.
Protein change: p.Leu647Ile; replaces leucine 647 with isoleucine.
Molecular consequence: missense variant. On other transcripts: non-coding transcript variant (2), intron variant (1).
Genome position (GRCh38, 1-based): chr4:15,991,266, G>T on the plus strand (C>A on the coding strand, the complement: PROM1 is on the minus strand). VCF-style: chr4-15991266-G-T. GRCh37 (hg19) VCF-style: chr4-15992889-G-T.
Other names: c.1912C>A, p.Leu638Ile (NM_001371407.1, NM_001371408.1, NM_001441173.1 and 7 more transcripts); c.1828C>A, p.Leu610Ile (NM_001441174.1); c.1807C>A, p.Leu603Ile (NM_001441177.1); c.1573C>A, p.Leu525Ile (NM_001441179.1); c.1939C>A, p.Leu647Ile (NM_001145849.2, NM_001145850.2); c.1884+982C>A (NM_001441178.1); short protein forms L647I, L525I, L603I, L610I, L638I.
Identifiers: ClinVar variation 4760215 (VCV004760215.1).